The following is an entry in ClinVar:

NM_018076.5(ODAD2):c.1955T>C (p.Val652Ala)

Gene: ODAD2 (outer dynein arm docking complex subunit 2; minus strand). Cytogenetic location: 10p12.1.
Variant type: single nucleotide variant.
Coding change: c.1955T>C on transcript NM_018076.5 (MANE Select); coding-DNA position 1955, T replaced by C.
Protein change: p.Val652Ala; replaces valine 652 with alanine.
Molecular consequence: missense variant.
Genome position (GRCh38, 1-based): chr10:27,940,594, A>G on the plus strand (T>C on the coding strand, the complement: ODAD2 is on the minus strand). VCF-style: chr10-27940594-A-G. GRCh37 (hg19) VCF-style: chr10-28229523-A-G.
Other names: c.1955T>C, p.Val652Ala (NM_001290020.2); c.530T>C, p.Val177Ala (NM_001290021.2); c.1031T>C, p.Val344Ala (NM_001312689.2); short protein forms V177A, V344A, V652A.
Identifiers: ClinVar variation 1800323 (VCV001800323.2), dbSNP rs1228503693, ClinGen allele CA376392391.
Genomic context (GRCh38, chr10:27,940,594, plus strand): 5'-GGCAAGGGAAGCAGAACTGGCATGAGTACCTCTGATGCACACTCTTGCAATGTCCCCACC[A>G]CTGGAATTAGCATGTTTTCATGAGAAGTCTTCAGCAGCCGAGCCAACAGAGGAATGCCCC-3'
Protein context (NP_060546.2, residues 642-662): KTSHENMLIP[Val652Ala]VGTLQECASE

ClinVar aggregate classification (germline): Uncertain significance (1 of 4 stars; one submission).

Conditions:
Primary ciliary dyskinesia. Also called: Ciliary dyskinesia. Identifiers: Orphanet 244, MedGen C0008780, MONDO:0016575, HP:0012265.

Allele frequency attached by ClinVar (database versions not stated): TOPMed below 0.00001; gnomAD 0.00001.
gnomAD v4.1: 1 of 1,613,964 alleles (0.000062%); highest among the groups gnomAD compares: Admixed American, 0.0017%; no homozygotes.

Submission:

Ambry Genetics
Classification: Uncertain significance for Primary ciliary dyskinesia. Last evaluated: 2018-11-29. Review status: criteria provided, single submitter. Criteria: Ambry Variant Classification Scheme 2023. Collection method: clinical testing. Allele origin: germline.
Comment: The p.V652A variant (also known as c.1955T>C), located in coding exon 12 of the ARMC4 gene, results from a T to C substitution at nucleotide position 1955. The valine at codon 652 is replaced by alanine, an amino acid with similar properties. This amino acid position is highly conserved in available vertebrate species. In addition, the in silico prediction for this alteration is inconclusive. Since supporting evidence is limited at this time, the clinical significance of this alteration remains unclear.